The following is an entry in ClinVar:

ClinVar aggregate classification (germline): Uncertain significance (1 of 4 stars; one submission).

Conditions:
Developmental and epileptic encephalopathy, 11 (DEE11). Also called: Early infantile epileptic encephalopathy 11. Identifiers: Orphanet 1934, MedGen C3150987, MONDO:0013388, OMIM 613721.
Seizures, benign familial infantile, 3 (BFIS3). Also called: CONVULSIONS, BENIGN FAMILIAL INFANTILE, 3; Familial neonatal seizures. Identifiers: Orphanet 140927, Orphanet 306, MedGen C1843140, MONDO:0011904, OMIM 607745.

Submission:

Labcorp Genetics (formerly Invitae), Labcorp
Classification: Uncertain significance for Seizures, benign familial infantile, 3; Developmental and epileptic encephalopathy, 11. Last evaluated: 2019-10-25. Review status: criteria provided, single submitter. Criteria: Invitae Variant Classification Sherloc (09022015). Collection method: clinical testing. Allele origin: germline.
Comment: Algorithms developed to predict the effect of missense changes on protein structure and function (SIFT, PolyPhen-2, Align-GVGD) all suggest that this variant is likely to be tolerated, but these predictions have not been confirmed by published functional studies and their clinical significance is uncertain. In summary, the available evidence is currently insufficient to determine the role of this variant in disease. Therefore, it has been classified as a Variant of Uncertain Significance. This variant has not been reported in the literature in individuals with SCN2A-related conditions. This variant is not present in population databases (ExAC no frequency). This sequence change replaces proline with threonine at codon 37 of the SCN2A protein (p.Pro37Thr). The proline residue is highly conserved and there is a small physicochemical difference between proline and threonine.

NM_001040142.2(SCN2A):c.109C>A (p.Pro37Thr)

Gene: SCN2A (sodium voltage-gated channel alpha subunit 2; plus strand). Cytogenetic location: 2q24.3.
Variant type: single nucleotide variant.
Coding change: c.109C>A on transcript NM_001040142.2 (MANE Select); coding-DNA position 109, C replaced by A.
Protein change: p.Pro37Thr; replaces proline 37 with threonine.
Molecular consequence: missense variant.
Genome position (GRCh38, 1-based): chr2:165,295,932, C>A. VCF-style: chr2-165295932-C-A. GRCh37 (hg19) VCF-style: chr2-166152442-C-A.
Other names: c.109C>A, p.Pro37Thr (NM_001040143.2, NM_001371246.1, NM_001371247.1 and 1 more transcripts); short protein forms P37T.
Identifiers: ClinVar variation 958572 (VCV000958572.10), dbSNP rs763906285, ClinGen allele CA349009995.